The following is an entry in ClinVar:

NM_020975.6(RET):c.2409_2410delinsTT (p.Val804Leu)

Gene: RET (ret proto-oncogene; plus strand). Cytogenetic location: 10q11.21.
Variant type: Indel.
Coding change: c.2409_2410delinsTT on transcript NM_020975.6 (MANE Select); coding-DNA positions 2409 to 2410, CG replaced by TT.
Protein change: p.Val804Leu; replaces valine 804 with leucine.
Molecular consequence: missense variant.
Genome position (GRCh38, 1-based): chr10:43,119,547-43,119,548, CG replaced by TT. VCF-style: chr10-43119547-CG-TT. GRCh37 (hg19) VCF-style: chr10-43614995-CG-TT.
Other names: c.1647_1648delinsTT, p.Val550Leu (NM_001355216.2); c.2409_2410delinsTT, p.Val804Leu (NM_001406743.1, NM_001406744.1, NM_001406759.1 and 2 more transcripts); c.2280_2281delinsTT, p.Val761Leu (NM_001406761.1, NM_001406762.1, NM_001406764.1); c.2274_2275delinsTT, p.Val759Leu (NM_001406763.1, NM_001406765.1); c.2121_2122delinsTT, p.Val708Leu (NM_001406766.1, NM_001406767.1, NM_001406770.1); c.2145_2146delinsTT, p.Val716Leu (NM_001406768.1); c.2013_2014delinsTT, p.Val672Leu (NM_001406769.1, NM_001406772.1); c.1971_1972delinsTT, p.Val658Leu (NM_001406771.1, NM_001406773.1); and 10 more; short protein forms V321L, V369L, V409L, V460L, V462L, V465L, V474L, V505L.
Identifiers: ClinVar variation 3893813 (VCV003893813.1).

ClinVar aggregate classification (germline): Likely pathogenic (1 of 4 stars; one submission).

Conditions:
Multiple endocrine neoplasia, type 2 (MEN2). Identifiers: Orphanet 653, MedGen C4048306, MONDO:0019003. Disease mechanism: gain of function.

Submission:

Color Diagnostics, LLC DBA Color Health
Classification: Likely pathogenic for Multiple endocrine neoplasia, type 2. Last evaluated: 2024-05-13. Review status: criteria provided, single submitter. Criteria: ACMG Guidelines, 2015. Collection method: clinical testing. Allele origin: germline.
Comment: This missense deletes two nucleotides and inserts two nucleotides, replacing valine with leucine at codon 804 of the RET protein. Functional studies have reported that this variant resulted in intermediate level of transforming activity on ex vivo transfected cells (PMID: 9242375, 10445857) and to confer resistance to select kinase inhibitors (PMID: 26046350). To our knowledge, this variant has not been reported in individuals affected with RET-related disorders in the literature. This variant has not been identified in the general population by the Genome Aggregation Database (gnomAD). Different variants resulting in the same amino acid change, c.2410G>C (p.Val804Leu) and c.2410G>T (p.Val804Leu), are well-documented pathogenic mutations (ClinVar Variation ID: 38613, 13946), indicating that valine at this position is important for RET protein function. Based on the available evidence, this variant is classified as Likely Pathogenic.

Literature cited by the submitters: PubMed 9242375; PubMed 10445857; PubMed 26046350.